The following is an entry in ClinVar:

ClinVar aggregate classification (germline): Uncertain significance (1 of 4 stars; one submission).

gnomAD v4.1: 4 of 1,613,954 alleles (0.00025%); highest among the groups gnomAD compares: South Asian, 0.0011%; no homozygotes.

Submission:

CeGaT Center for Human Genetics Tuebingen
Classification: Uncertain significance. Last evaluated: 2026-07-01. Review status: criteria provided, single submitter. Criteria: CeGaT Center For Human Genetics Tuebingen Variant Classification Criteria Version 2. Collection method: clinical testing. Allele origin: germline. Affected: yes. Observed: 1 variant allele.
Comment: NFIX: PP2, BP4

NM_001365902.3(NFIX):c.1461C>T (p.Asp487=)

Gene: NFIX (nuclear factor I X; plus strand). Cytogenetic location: 19p13.13.
Variant type: single nucleotide variant.
Coding change: c.1461C>T on transcript NM_001365902.3 (MANE Select); coding-DNA position 1461, C replaced by T.
Protein change: p.Asp487=; no amino-acid change (aspartic acid 487 retained).
Molecular consequence: synonymous variant. On other transcripts: missense variant (6).
Genome position (GRCh38, 1-based): chr19:13,090,357, C>T. VCF-style: chr19-13090357-C-T. GRCh37 (hg19) VCF-style: chr19-13201171-C-T.
Other names: c.1485C>T, p.Asp495= (NM_001271043.2); c.1289C>T, p.Thr430Met (NM_001271044.3); c.1190C>T, p.Thr397Met (NM_001365982.2); c.1172C>T, p.Thr391Met (NM_001365983.2); c.1458C>T, p.Asp486= (NM_001365984.2); c.1310C>T, p.Thr437Met (NM_001365985.2); c.1437C>T, p.Asp479= (NM_001378404.1); c.1509C>T, p.Asp503= (NM_001378405.1); and 3 more; short protein forms T389M, T391M, T397M, T430M, T437M, T438M.
Identifiers: ClinVar variation 5040043 (VCV005040043.1).
Genomic context (GRCh38, chr19:13,090,357, plus strand): 5'-AGCATTCGCAACGACAGGCGCCTCCTCTGCCAACCGGTTTGTCAGCATCGGACCCCGGGA[C>T]GGCAACTTTCTGAACATCCCACAGCAGTCTCAGGTAGGAGACCCTGCCCACCACCTGGAT-3'
Protein context (NP_001352831.1, residues 477-497): ANRFVSIGPR[Asp487=]GNFLNIPQQS